The following is an entry in ClinVar:

NM_020738.4(KIDINS220):c.1040A>G (p.Asn347Ser)

Gene: KIDINS220 (kinase D interacting substrate 220; minus strand). Cytogenetic location: 2p25.1.
Variant type: single nucleotide variant.
Coding change: c.1040A>G on transcript NM_020738.4 (MANE Select); coding-DNA position 1040, A replaced by G.
Protein change: p.Asn347Ser; replaces asparagine 347 with serine.
Molecular consequence: missense variant. On other transcripts: non-coding transcript variant (2).
Genome position (GRCh38, 1-based): chr2:8,796,829, T>C on the plus strand (A>G on the coding strand, the complement: KIDINS220 is on the minus strand). VCF-style: chr2-8796829-T-C. GRCh37 (hg19) VCF-style: chr2-8936959-T-C.
Other names: c.1043A>G, p.Asn348Ser (NM_001348729.2, NM_001348731.2, NM_001348734.2 and 3 more transcripts); c.1040A>G, p.Asn347Ser (NM_001348732.2, NM_001348735.2, NM_001348738.2 and 3 more transcripts); c.914A>G, p.Asn305Ser (NM_001348736.2); c.1040A>G (NM_020738.2); short protein forms N347S, N348S, N305S.
Identifiers: ClinVar variation 2790458 (VCV002790458.4), dbSNP rs2528103899, ClinGen allele CA345770673.

ClinVar aggregate classification (germline): Uncertain significance. Review status: criteria provided, multiple submitters, no conflicts (2 of 4 stars). 2 submissions from 2 submitters: Uncertain significance (2). Last evaluated 2024-05-12.

Conditions:
Inborn genetic diseases. Identifiers: MedGen C0950123, MeSH D030342.

gnomAD v4.1: 1 of 1,614,176 alleles (0.000062%); highest among the groups gnomAD compares: Non-Finnish European, 0.000085%; no homozygotes.

Submissions (2):

Ambry Genetics
Classification: Uncertain significance for Inborn genetic diseases. Last evaluated: 2024-05-12. Review status: criteria provided, single submitter. Criteria: Ambry Variant Classification Scheme 2023. Collection method: clinical testing. Allele origin: germline.

Labcorp Genetics (formerly Invitae), Labcorp
Classification: Uncertain significance. Last evaluated: 2023-07-07. Review status: criteria provided, single submitter. Criteria: Invitae Variant Classification Sherloc (09022015). Collection method: clinical testing. Allele origin: germline.
Comment: This variant has not been reported in the literature in individuals affected with KIDINS220-related conditions. An algorithm developed to predict the effect of missense changes on protein structure and function (PolyPhen-2) suggests that this variant is likely to be tolerated. In summary, the available evidence is currently insufficient to determine the role of this variant in disease. Therefore, it has been classified as a Variant of Uncertain Significance. This sequence change replaces asparagine, which is neutral and polar, with serine, which is neutral and polar, at codon 347 of the KIDINS220 protein (p.Asn347Ser). This variant is not present in population databases (gnomAD no frequency).